The following is an entry in ClinVar:

ClinVar aggregate classification (germline): Likely benign. Review status: criteria provided, multiple submitters, no conflicts (2 of 4 stars). 2 submissions from 2 submitters: Likely benign (2). Last evaluated 2025-12-31.

Conditions:
RP1L1-related disorder. Also called: RP1L1-related condition.

Submissions (2):

PreventionGenetics, part of Exact Sciences
Classification: Likely benign for RP1L1-related condition. Last evaluated: 2025-12-31. Review status: criteria provided, single submitter. Criteria: ACMG Guidelines, 2015. Collection method: clinical testing. Allele origin: germline.
Comment: This variant is classified as likely benign based on ACMG/AMP sequence variant interpretation guidelines (Richards et al. 2015 PMID: 25741868, with internal and published modifications).

Blueprint Genetics
Classification: Likely benign. Last evaluated: 2021-06-01. Review status: criteria provided, single submitter. Criteria: ACMG Guidelines, 2015. Collection method: clinical testing. Allele origin: germline.

NM_178857.6(RP1L1):c.3111A>G (p.Gln1037=)

Gene: RP1L1 (RP1 like 1). Cytogenetic location: 8p23.1.
Variant type: single nucleotide variant.
Coding change: c.3111A>G on transcript NM_178857.6 (MANE Select); coding-DNA position 3111, A replaced by G.
Protein change: p.Gln1037=; no amino-acid change (glutamine 1037 retained).
Molecular consequence: synonymous variant.
Genome position (GRCh38, 1-based): chr8:10,610,987, T>C on the plus strand (A>G on the coding strand, the complement: RP1L1 is on the minus strand). VCF-style: chr8-10610987-T-C. GRCh37 (hg19) VCF-style: chr8-10468497-T-C.
Other names: c.3111A>G (NM_178857.5).
Identifiers: ClinVar variation 4899226 (VCV004899226.2).